The following is an entry in ClinVar:

NM_001005242.3(PKP2):c.336+17T>G

Gene: PKP2 (plakophilin 2; minus strand). Cytogenetic location: 12p11.21.
Variant type: single nucleotide variant.
Coding change: c.336+17T>G on transcript NM_001005242.3 (MANE Select); 17 bases into the intron after coding-DNA position 336, T replaced by G.
Molecular consequence: intron variant.
Genome position (GRCh38, 1-based): chr12:32,878,903, A>C on the plus strand (T>G on the coding strand, the complement: PKP2 is on the minus strand). VCF-style: chr12-32878903-A-C. GRCh37 (hg19) VCF-style: chr12-33031837-A-C.
Other names: c.336+17T>G (NM_004572.4).
Identifiers: ClinVar variation 36684 (VCV000036684.14), dbSNP rs185681814, ClinGen allele CA012262.
Genomic context (GRCh38, chr12:32,878,903, plus strand): 5'-AAAATAATCTTAGGAAGTTTGAAAATATTTTCATGGTAGTAATCTGATCACTAGGGTTAC[A>C]TTCTTTGATATCCTACCTTTAGCATGTCATAGGTTTTAGGAACAGGGGAACGGCCTCCAA-3'

ClinVar aggregate classification (germline): Conflicting classifications of pathogenicity. Review status: criteria provided, conflicting classifications (1 of 4 stars). 5 submissions from 5 submitters: Uncertain significance (3); Likely benign (2). Last evaluated 2026-01-27.

Conditions:
Arrhythmogenic right ventricular dysplasia 9 (ARVD9). Also called: Arrhythmogenic Right Ventricular Dysplasia/Cardiomyopathy 9; ARRHYTHMOGENIC RIGHT VENTRICULAR DYSPLASIA, FAMILIAL, 9. Identifiers: MedGen C1836906, MONDO:0012180, OMIM 609040.

Allele frequency attached by ClinVar (database versions not stated): gnomAD 0.00015 and 0.00016; gnomAD exomes 0.00015 and 0.00021; ExAC 0.00018; ESP Exome Variant Server 0.00023; TOPMed 0.00026; 1000 Genomes Project 0.00040; 1000 Genomes Project 30x 0.00062.
gnomAD v4.1: 222 of 1,271,822 alleles (0.017%); highest among the groups gnomAD compares: Middle Eastern, 0.16%; no homozygotes.

Submissions (5):

Labcorp Genetics (formerly Invitae), Labcorp
Classification: Likely benign for Arrhythmogenic right ventricular dysplasia 9. Last evaluated: 2026-01-27. Review status: criteria provided, single submitter. Criteria: Invitae Variant Classification Sherloc (09022015). Collection method: clinical testing. Allele origin: germline.

Women's Health and Genetics/Laboratory Corporation of America, LabCorp
Classification: Likely benign. Last evaluated: 2024-12-12. Review status: criteria provided, single submitter. Criteria: LabCorp Variant Classification Summary - May 2015. Collection method: clinical testing. Allele origin: germline.

Blueprint Genetics
Classification: Uncertain significance. Last evaluated: 2024-10-15. Review status: criteria provided, single submitter. Criteria: ACMG Guidelines, 2015. Collection method: clinical testing. Allele origin: germline.

Fulgent Genetics
Classification: Uncertain significance for Arrhythmogenic right ventricular dysplasia 9. Last evaluated: 2018-10-31. Review status: criteria provided, single submitter. Criteria: ACMG Guidelines, 2015. Collection method: clinical testing. Allele origin: unknown.

GeneDx
Classification: Uncertain significance. Last evaluated: 2018-05-10. Review status: criteria provided, single submitter. Criteria: GeneDx Variant Classification (06012015). Collection method: clinical testing. Allele origin: germline. Affected: yes.
Comment: A variant of uncertain significance has been identified in the PKP2 gene. The c.336+17 T>G variant has not been published as a pathogenic variant or been reported as a benign variant to our knowledge. This variant is observed in 6/11,536 alleles (0.05%) from individuals of Latino ancestry in large population cohorts (Lek et al., 2016). Other splice site variants in the PKP2 gene have been reported in the Human Gene Mutation Database in association with ARVD/C (Stenson et al., 2014). The c.336+17 T>G variant is predicted to create a strong downstream cryptic splice donor site in intron 2 and may cause abnormal gene splicing. However, in the absence of functional mRNA studies, the physiological consequence of this variant cannot be precisely determined.